The following is an entry in ClinVar:

ClinVar aggregate classification (germline): Uncertain significance. Review status: criteria provided, multiple submitters, no conflicts (2 of 4 stars). 2 submissions from 2 submitters: Uncertain significance (2). Last evaluated 2025-08-11.

Conditions:
Cardiomyopathy (CMYO). Also called: Cardiomyopathies. Identifiers: Orphanet 167848, MedGen C0878544, MONDO:0004994, HP:0001638. Inheritance: Various modes of inheritance.
Catecholaminergic polymorphic ventricular tachycardia 1. Also called: VENTRICULAR TACHYCARDIA, CATECHOLAMINERGIC POLYMORPHIC, 1, WITH OR WITHOUT ATRIAL DYSFUNCTION AND/OR DILATED CARDIOMYOPATHY; RYR2-Related Catecholaminergic Polymorphic Ventricular Tachycardia; VENTRICULAR TACHYCARDIA, STRESS-INDUCED POLYMORPHIC 1. Identifiers: Orphanet 3286, MedGen C1631597, MONDO:0011484, OMIM 604772.

Allele frequency attached by ClinVar (database versions not stated): ExAC 0.00001.
gnomAD v4.1: 9 of 1,557,046 alleles (0.00058%); highest among the groups gnomAD compares: Non-Finnish European, 0.0008%; no homozygotes.

Submissions (2):

Color Diagnostics, LLC DBA Color Health
Classification: Uncertain significance for Cardiomyopathy. Last evaluated: 2025-08-11. Review status: criteria provided, single submitter. Criteria: ACMG Guidelines, 2015. Collection method: clinical testing. Allele origin: germline.
Comment: This variant causes a C to A nucleotide substitution at the +6 position of intron 73 of the RYR2 gene. To our knowledge, functional studies have not been reported for this variant. This variant has not been reported in individuals affected with RYR2-related disorders in the literature. This variant has been identified in 1/247692 chromosomes in the general population by the Genome Aggregation Database (gnomAD). The available evidence is insufficient to determine the role of this variant in disease conclusively. Therefore, this variant is classified as a Variant of Uncertain Significance.

Labcorp Genetics (formerly Invitae), Labcorp
Classification: Uncertain significance for Catecholaminergic polymorphic ventricular tachycardia 1. Last evaluated: 2023-11-21. Review status: criteria provided, single submitter. Criteria: Invitae Variant Classification Sherloc (09022015). Collection method: clinical testing. Allele origin: germline.
Comment: This sequence change falls in intron 73 of the RYR2 gene. It does not directly change the encoded amino acid sequence of the RYR2 protein. It affects a nucleotide within the consensus splice site. The frequency data for this variant in the population databases is considered unreliable, as metrics indicate poor data quality at this position in the gnomAD database. This variant has not been reported in the literature in individuals affected with RYR2-related conditions. ClinVar contains an entry for this variant (Variation ID: 2043045). Variants that disrupt the consensus splice site are a relatively common cause of aberrant splicing (PMID: 17576681, 9536098). Algorithms developed to predict the effect of sequence changes on RNA splicing suggest that this variant is not likely to affect RNA splicing. In summary, the available evidence is currently insufficient to determine the role of this variant in disease. Therefore, it has been classified as a Variant of Uncertain Significance.

Literature cited by the submitters: PubMed 17576681 (cited by Labcorp Genetics (formerly Invitae), Labcorp); PubMed 9536098 (cited by Labcorp Genetics (formerly Invitae), Labcorp).

NM_001035.3(RYR2):c.10554+6C>A

Gene: RYR2 (ryanodine receptor 2; plus strand). Cytogenetic location: 1q43.
Variant type: single nucleotide variant.
Coding change: c.10554+6C>A on transcript NM_001035.3 (MANE Select); 6 bases into the intron after coding-DNA position 10554, C replaced by A.
Molecular consequence: intron variant.
Genome position (GRCh38, 1-based): chr1:237,718,527, C>A. VCF-style: chr1-237718527-C-A. GRCh37 (hg19) VCF-style: chr1-237881827-C-A.
Identifiers: ClinVar variation 2043045 (VCV002043045.5), dbSNP rs776756933, ClinGen allele CA084400.